The following is an entry in ClinVar:

ClinVar aggregate classification (germline): Likely benign. Review status: criteria provided, multiple submitters, no conflicts (2 of 4 stars). 2 submissions from 2 submitters: Likely benign (2). Last evaluated 2024-11-25.

Allele frequency attached by ClinVar (database versions not stated): ExAC 0.00066; ESP Exome Variant Server 0.00101; gnomAD 0.00128; 1000 Genomes Project 30x 0.00265.

Submissions (2):

Blueprint Genetics
Classification: Likely benign. Last evaluated: 2024-11-25. Review status: criteria provided, single submitter. Criteria: ACMG Guidelines, 2015. Collection method: clinical testing. Allele origin: germline.

CeGaT Center for Human Genetics Tuebingen
Classification: Likely benign. Last evaluated: 2023-03-01. Review status: criteria provided, single submitter. Criteria: CeGaT Center For Human Genetics Tuebingen Variant Classification Criteria Version 2. Collection method: clinical testing. Allele origin: germline. Affected: yes. Observed: 1 variant allele.
Comment: CEL: BP4, BP7

NM_001807.6(CEL):c.972C>T (p.Tyr324=)

Gene: CEL (carboxyl ester lipase; plus strand). Cytogenetic location: 9q34.13.
Variant type: single nucleotide variant.
Coding change: c.972C>T on transcript NM_001807.6 (MANE Select); coding-DNA position 972, C replaced by T.
Protein change: p.Tyr324=; no amino-acid change (tyrosine 324 retained).
Molecular consequence: synonymous variant.
Genome position (GRCh38, 1-based): chr9:133,068,748, C>T. VCF-style: chr9-133068748-C-T. GRCh37 (hg19) VCF-style: chr9-135944135-C-T.
Identifiers: ClinVar variation 2659665 (VCV002659665.25), dbSNP rs376349732, ClinGen allele CA5303238.
Genomic context (GRCh38, chr9:133,068,748, plus strand): 5'-TGTGGGCTTCGTCCCTGTCATTGATGGAGACTTCATCCCCGCTGACCCGATCAACCTGTA[C>T]GCCAACGCCGCCGACATCGACTATATAGCAGGCACCAACAACATGGACGGCCACATCTTC-3'
Protein context (NP_001798.3, residues 314-334): DFIPADPINL[Tyr324=]ANAADIDYIA